The following is an entry in ClinVar:

ClinVar aggregate classification (germline): Uncertain significance (1 of 4 stars; one submission).

Conditions:
PLXNA4-related disorder. Also called: PLXNA4-related condition.

Submission:

PreventionGenetics, part of Exact Sciences
Classification: Uncertain significance for PLXNA4-related condition. Last evaluated: 2025-05-08. Review status: criteria provided, single submitter. Criteria: ACMG Guidelines, 2015. Collection method: clinical testing. Allele origin: germline.
Comment: The PLXNA4 c.4477C>T variant is predicted to result in premature protein termination (p.Gln1493*). To our knowledge, this variant has not been reported in the literature. This variant is reported in 0.00088% of alleles in individuals of European (Non-Finnish) descent in gnomAD. At this time, the clinical significance of this variant is uncertain due to the absence of conclusive functional and genetic evidence.

NM_020911.2(PLXNA4):c.4477C>T (p.Gln1493Ter)

Gene: PLXNA4 (plexin A4; minus strand). Cytogenetic location: 7q32.3.
Variant type: single nucleotide variant.
Coding change: c.4477C>T on transcript NM_020911.2 (MANE Select); coding-DNA position 4477, C replaced by T.
Protein change: p.Gln1493Ter; replaces glutamine 1493 with a stop codon.
Molecular consequence: nonsense.
Genome position (GRCh38, 1-based): chr7:132,164,165, G>A on the plus strand (C>T on the coding strand, the complement: PLXNA4 is on the minus strand). VCF-style: chr7-132164165-G-A. GRCh37 (hg19) VCF-style: chr7-131848924-G-A.
Other names: c.4477C>T, p.Gln1493Ter (NM_001393897.1); short protein forms Q1493*.
Identifiers: ClinVar variation 5000365 (VCV005000365.1).